The following is an entry in ClinVar:

ClinVar aggregate classification (germline): Conflicting classifications of pathogenicity. Review status: criteria provided, conflicting classifications (1 of 4 stars). 2 submissions from 2 submitters: Likely pathogenic (1); Uncertain significance (1). Last evaluated 2024-06-14.

Conditions:
Neurodevelopmental disorder with relative macrocephaly and with or without cardiac or endocrine anomalies. Also called: Nabais Sa-de Vries syndrome, type 2. Identifiers: Orphanet 662175, MedGen C5394221, MONDO:0032943, OMIM 618829.

Allele frequency attached by ClinVar (database versions not stated): gnomAD exomes below 0.00001.
gnomAD v4.1: 3 of 1,614,038 alleles (0.00019%); highest among the groups gnomAD compares: Non-Finnish European, 0.00025%; no homozygotes.

Submissions (2):

3billion
Classification: Uncertain significance for Neurodevelopmental disorder with relative macrocephaly and with or without cardiac or endocrine anomalies. Last evaluated: 2024-06-14. Review status: criteria provided, single submitter. Criteria: ACMG Guidelines, 2015. Collection method: clinical testing. Allele origin: germline. Affected: yes.
Comment: The variant is observed at an extremely low frequency in the gnomAD v4.0.0 dataset (total allele frequency: <0.001%). Predicted Consequence/Location: Missense changes are a common disease-causing mechanism. In silico tool predictions suggest damaging effect of the variant on gene or gene product [REVEL: 0.65 (>=0.6, sensitivity 0.68 and specificity 0.92)]. The same nucleotide change resulting in the same amino acid change has been previously reported to be associated with SPOP related disorder (ClinVar ID: VCV002574333). However, the evidence of pathogenicity is insufficient at this time. Therefore, this variant is classified as VUS according to the recommendation of ACMG/AMP guideline.

GeneDx
Classification: Likely pathogenic. Last evaluated: 2024-04-16. Review status: criteria provided, single submitter. Criteria: GeneDx Variant Classification Process June 2021. Collection method: clinical testing. Allele origin: germline. Affected: yes.
Comment: Not observed at significant frequency in large population cohorts (gnomAD); In silico analysis supports that this missense variant has a deleterious effect on protein structure/function; Has not been previously published as pathogenic or benign to our knowledge

NM_001007228.2(SPOP):c.622G>A (p.Gly208Ser)

Gene: SPOP (speckle type BTB/POZ protein; minus strand). Cytogenetic location: 17q21.33.
Variant type: single nucleotide variant.
Coding change: c.622G>A on transcript NM_001007228.2 (MANE Select); coding-DNA position 622, G replaced by A.
Protein change: p.Gly208Ser; replaces glycine 208 with serine.
Molecular consequence: missense variant.
Genome position (GRCh38, 1-based): chr17:49,611,316, C>T on the plus strand (G>A on the coding strand, the complement: SPOP is on the minus strand). VCF-style: chr17-49611316-C-T. GRCh37 (hg19) VCF-style: chr17-47688678-C-T.
Other names: c.622G>A, p.Gly208Ser (NM_001007226.1, NM_001007227.1, NM_001007229.1 and 5 more transcripts); short protein forms G208S.
Identifiers: ClinVar variation 2574333 (VCV002574333.3), dbSNP rs1313171285, ClinGen allele CA400156163.